The following is an entry in ClinVar:

ClinVar aggregate classification (germline): Uncertain significance. Review status: criteria provided, multiple submitters, no conflicts (2 of 4 stars). 5 submissions from 5 submitters: Uncertain significance (4). 1 of the submissions does not count toward it. Last evaluated 2025-07-10.

Conditions:
Lipodystrophy - childhood onset.
PPARG-related disorder. Also called: PPARG-related condition; PPARG-related disorders.
Inherited obesity. Also called: Monogenic Obesity. Identifiers: Orphanet 77828, MedGen C4054476, MONDO:0019182, OMIM 601665.
CAROTID INTIMAL MEDIAL THICKNESS 1 (IMT1). Also called: INTIMAL MEDIAL THICKNESS OF INTERNAL CAROTID ARTERY. Identifiers: MedGen C1836302, OMIM 609338.
Type 2 diabetes mellitus. Also called: Type II diabetes mellitus. Identifiers: MedGen C0011860, MeSH D003924, MONDO:0005148, OMIM 125853, HP:0005978.
PPARG-related familial partial lipodystrophy. Also called: LIPODYSTROPHY, FAMILIAL PARTIAL, ASSOCIATED WITH PPARG MUTATIONS. Identifiers: Orphanet 79083, MedGen C1720861, MONDO:0011448, OMIM 604367.
Morbid obesity. Also called: OBESITY, SEVERE. Identifiers: MedGen C0028756, MONDO:0005139.

Allele frequency attached by ClinVar (database versions not stated): TOPMed 0.00001; gnomAD 0.00003.
gnomAD v4.1: 11 of 1,613,144 alleles (0.00068%); highest among the groups gnomAD compares: Non-Finnish European, 0.00085%; no homozygotes.

Submissions (5):

PreventionGenetics, part of Exact Sciences
Classification: Uncertain significance for PPARG-related condition. Last evaluated: 2025-07-10. Review status: criteria provided, single submitter. Criteria: ACMG Guidelines, 2015. Collection method: clinical testing. Allele origin: germline.
Comment: The PPARG c.338C>A variant is predicted to result in the amino acid substitution p.Pro113Gln. This variant has been reported in individuals with obesity (reported as Pro115Gln in Ristow et al. 1998. PubMed ID: 9753710). Functional studies have been conflicting on the impact of this variant on PPARG function (Ristow et al. 1998. PubMed ID: 9753710; P113Q in figure 2A, Majithia et al. 2014. PubMed ID: 25157153). This variant is reported in 0.0065% of alleles in individuals of European (Non-Finnish) descent in gnomAD. At this time, the clinical significance of this variant is uncertain due to the absence of conclusive functional and genetic evidence.

Cambridge Genomics Laboratory, East Genomic Laboratory Hub, NHS Genomic Medicine Service
Classification: Uncertain significance for Lipodystrophy - childhood onset. Last evaluated: 2025-01-23. Review status: criteria provided, single submitter. Criteria: ACGS Best Practice Guidelines for Variant Classification in Rare Disease 2020. Collection method: clinical testing. Allele origin: germline. Affected: yes.
Comment: PP3,BS3

Fulgent Genetics
Classification: Uncertain significance for Type 2 diabetes mellitus; Inherited obesity; PPARG-related familial partial lipodystrophy; CAROTID INTIMAL MEDIAL THICKNESS 1. Last evaluated: 2024-01-24. Review status: criteria provided, single submitter. Criteria: ACMG Guidelines, 2015. Collection method: clinical testing. Allele origin: germline.

Labcorp Genetics (formerly Invitae), Labcorp
Classification: Uncertain significance. Last evaluated: 2024-01-09. Review status: criteria provided, single submitter. Criteria: Invitae Variant Classification Sherloc (09022015). Collection method: clinical testing. Allele origin: germline.
Comment: This sequence change replaces proline, which is neutral and non-polar, with glutamine, which is neutral and polar, at codon 113 of the PPARG protein (p.Pro113Gln). This variant is present in population databases (rs1800571, gnomAD 0.007%). This variant has not been reported in the literature in individuals affected with PPARG-related conditions. This variant is also known as Pro115Gln. ClinVar contains an entry for this variant (Variation ID: 8130). An algorithm developed to predict the effect of missense changes on protein structure and function (PolyPhen-2) suggests that this variant is likely to be disruptive. Experimental studies are conflicting or provide insufficient evidence to determine the effect of this variant on PPARG function (PMID: 9753710, 25157153). In summary, the available evidence is currently insufficient to determine the role of this variant in disease. Therefore, it has been classified as a Variant of Uncertain Significance.

OMIM
Classification: Pathogenic for OBESITY, SEVERE. Last evaluated: 1999-12-01. Review status: no assertion criteria provided. Collection method: literature only. Allele origin: germline. Not counted in ClinVar's aggregate classification.

Literature cited by the submitters: PubMed 9753710 (cited by Labcorp Genetics (formerly Invitae), Labcorp and OMIM); PubMed 25157153 (cited by Labcorp Genetics (formerly Invitae), Labcorp); PubMed 10690291 (cited by OMIM).

NM_138711.6(PPARG):c.248C>A (p.Pro83Gln)

Gene: PPARG (peroxisome proliferator activated receptor gamma; plus strand). Cytogenetic location: 3p25.2.
Variant type: single nucleotide variant.
Coding change: c.248C>A on transcript NM_138711.6 (MANE Select); coding-DNA position 248, C replaced by A.
Protein change: p.Pro83Gln; replaces proline 83 with glutamine.
Molecular consequence: missense variant. On other transcripts: 5 prime UTR variant (1).
Genome position (GRCh38, 1-based): chr3:12,381,349, C>A. VCF-style: chr3-12381349-C-A. GRCh37 (hg19) VCF-style: chr3-12422848-C-A.
Other names: P115Q; c.248C>A, p.Pro83Gln (NM_001330615.4, NM_001354666.3, NM_001354667.3 and 6 more transcripts); c.338C>A, p.Pro113Gln (NM_001354668.2, NM_001374265.1, NM_015869.5); c.-180C>A (NM_001354669.2); c.254C>A, p.Pro85Gln (NM_001354670.2, NM_001374266.1); c.338C>A (NM_015869.4); short protein forms P85Q, P113Q, P83Q.
Identifiers: ClinVar variation 8130 (VCV000008130.8), dbSNP rs1800571, ClinGen allele CA119312.
Genomic context (GRCh38, chr3:12,381,349, plus strand): 5'-GATAATTATCCTCTCACATGTCTCCATACACAGGTGCAATCAAAGTGGAGCCTGCATCTC[C>A]ACCTTATTATTCTGAGAAGACTCAGCTCTACAATAAGCCTCATGAAGAGCCTTCCAACTC-3'
Protein context (NP_619725.3, residues 73-93): QSAIKVEPAS[Pro83Gln]PYYSEKTQLY